The following is an entry in ClinVar:

NM_031471.6(FERMT3):c.684-1G>A

Gene: FERMT3 (FERM domain containing kindlin 3; plus strand). Cytogenetic location: 11q13.1.
Variant type: single nucleotide variant.
Coding change: c.684-1G>A on transcript NM_031471.6 (MANE Select); the canonical splice acceptor site of the intron before coding-DNA position 684, G replaced by A.
Molecular consequence: splice acceptor variant.
Genome position (GRCh38, 1-based): chr11:64,211,644, G>A. VCF-style: chr11-64211644-G-A. GRCh37 (hg19) VCF-style: chr11-63979116-G-A.
Other names: c.684-1G>A (NM_001382448.1, NM_178443.3, NM_001382362.1 and 1 more transcripts); c.144-1G>A (NM_001382364.1, NM_001382363.1).
Identifiers: ClinVar variation 2068172 (VCV002068172.4), dbSNP rs2495977429, ClinGen allele CA381082968.

ClinVar aggregate classification (germline): Likely pathogenic (1 of 4 stars; one submission).

Conditions:
Leukocyte adhesion deficiency 3. Also called: INTEGRIN ACTIVATION DEFICIENCY DISEASE; Leukocyte adhesion deficiency, type III; LEUKOCYTE ADHESION DEFICIENCY 1 VARIANT. Identifiers: Orphanet 2968, Orphanet 99844, MedGen C2748536, MONDO:0013016, OMIM 612840.

Submission:

Labcorp Genetics (formerly Invitae), Labcorp
Classification: Likely pathogenic for Leukocyte adhesion deficiency 3. Last evaluated: 2022-01-01. Review status: criteria provided, single submitter. Criteria: Invitae Variant Classification Sherloc (09022015). Collection method: clinical testing. Allele origin: germline.
Comment: In summary, the currently available evidence indicates that the variant is pathogenic, but additional data are needed to prove that conclusively. Therefore, this variant has been classified as Likely Pathogenic. Algorithms developed to predict the effect of sequence changes on RNA splicing suggest that this variant may disrupt the consensus splice site. This variant has not been reported in the literature in individuals affected with FERMT3-related conditions. This variant is not present in population databases (gnomAD no frequency). This sequence change affects an acceptor splice site in intron 5 of the FERMT3 gene. It is expected to disrupt RNA splicing. Variants that disrupt the donor or acceptor splice site typically lead to a loss of protein function (PMID: 16199547), and loss-of-function variants in FERMT3 are known to be pathogenic (PMID: 19064721, 19234463, 22134107).

Literature cited by the submitters: PubMed 16199547; PubMed 19064721; PubMed 19234463; PubMed 22134107.